The following is an entry in ClinVar:

ClinVar aggregate classification (germline): Uncertain significance. Review status: criteria provided, multiple submitters, no conflicts (2 of 4 stars). 2 submissions from 2 submitters: Uncertain significance (2). Last evaluated 2026-01-23.

Conditions:
Gastrointestinal stromal tumor. Also called: Gastrointestinal stroma tumor; Gastrointestinal stromal tumor, somatic. Identifiers: Orphanet 44890, MedGen C0238198, MeSH D046152, MONDO:0011719, OMIM 606764, HP:0100723.
Hereditary cancer-predisposing syndrome. Also called: Hereditary Cancer Syndrome; Hereditary neoplastic syndrome; Neoplastic Syndromes, Hereditary; Tumor predisposition. Identifiers: Orphanet 140162, MedGen C0027672, MeSH D009386, MONDO:0015356.

Submissions (2):

Ambry Genetics
Classification: Uncertain significance for Hereditary cancer-predisposing syndrome. Last evaluated: 2026-01-23. Review status: criteria provided, single submitter. Criteria: Ambry Variant Classification Scheme 2023. Collection method: clinical testing. Allele origin: germline.
Comment: The p.L939* variant (also known as c.2816T>G), located in coding exon 21 of the KIT gene, results from a T to G substitution at nucleotide position 2816. This changes the amino acid from a leucine to a stop codon within coding exon 21. This variant occurs at the 3' terminus of the gene and is not expected to trigger nonsense-mediated mRNA decay. Based on the available evidence, the clinical significance of this variant remains unclear.

Labcorp Genetics (formerly Invitae), Labcorp
Classification: Uncertain significance for Gastrointestinal stromal tumor. Last evaluated: 2025-05-27. Review status: criteria provided, single submitter. Criteria: Invitae Variant Classification Sherloc (09022015). Collection method: clinical testing. Allele origin: germline.
Comment: This sequence change creates a premature translational stop signal (p.Leu939*) in the KIT gene. While this is not anticipated to result in nonsense mediated decay, it is expected to disrupt the last 38 amino acid(s) of the KIT protein. This variant is not present in population databases (gnomAD no frequency). This variant has not been reported in the literature in individuals affected with KIT-related conditions. Experimental studies and prediction algorithms are not available or were not evaluated, and the functional significance of this variant is currently unknown. In summary, the available evidence is currently insufficient to determine the role of this variant in disease. Therefore, it has been classified as a Variant of Uncertain Significance.

NM_000222.3(KIT):c.2816T>G (p.Leu939Ter)

Gene: KIT (KIT proto-oncogene, receptor tyrosine kinase; plus strand). Cytogenetic location: 4q12.
Variant type: single nucleotide variant.
Coding change: c.2816T>G on transcript NM_000222.3 (MANE Select); coding-DNA position 2816, T replaced by G.
Protein change: p.Leu939Ter; replaces leucine 939 with a stop codon.
Molecular consequence: nonsense.
Genome position (GRCh38, 1-based): chr4:54,738,442, T>G. VCF-style: chr4-54738442-T-G. GRCh37 (hg19) VCF-style: chr4-55604608-T-G.
Other names: c.2804T>G, p.Leu935Ter (NM_001093772.2, NM_001385292.1); c.2819T>G, p.Leu940Ter (NM_001385284.1); c.2813T>G, p.Leu938Ter (NM_001385285.1); c.2801T>G, p.Leu934Ter (NM_001385286.1); c.2807T>G, p.Leu936Ter (NM_001385288.1); c.2816T>G, p.Leu939Ter (NM_001385290.1); short protein forms L935*, L936*, L939*, L934*, L940*, L938*.
Identifiers: ClinVar variation 4770525 (VCV004770525.2).